The following is an entry in ClinVar:

ClinVar aggregate classification (germline): Uncertain significance. Review status: criteria provided, multiple submitters, no conflicts (2 of 4 stars). 2 submissions from 2 submitters: Uncertain significance (2). Last evaluated 2025-03-27.

Allele frequency attached by ClinVar (database versions not stated): gnomAD exomes below 0.00001 and 0.00001; ExAC 0.00002; gnomAD 0.00002; TOPMed 0.00003.
gnomAD v4.1: 6 of 1,614,056 alleles (0.00037%); highest among the groups gnomAD compares: African/African-American, 0.0067%; no homozygotes.

Submissions (2):

Ambry Genetics
Classification: Uncertain significance. Last evaluated: 2025-03-27. Review status: criteria provided, single submitter. Criteria: Ambry Variant Classification Scheme 2023. Collection method: clinical testing. Allele origin: germline.

Labcorp Genetics (formerly Invitae), Labcorp
Classification: Uncertain significance. Last evaluated: 2024-10-26. Review status: criteria provided, single submitter. Criteria: Invitae Variant Classification Sherloc (09022015). Collection method: clinical testing. Allele origin: germline.
Comment: This sequence change replaces lysine with glutamic acid at codon 383 of the IDH3B protein (p.Lys383Glu). The lysine residue is weakly conserved and there is a small physicochemical difference between lysine and glutamic acid. This variant is present in population databases (rs777054148, gnomAD 0.01%). This variant has not been reported in the literature in individuals affected with IDH3B-related conditions. ClinVar contains an entry for this variant (Variation ID: 1496977). An algorithm developed to predict the effect of missense changes on protein structure and function (PolyPhen-2) suggests that this variant is likely to be tolerated. In summary, the available evidence is currently insufficient to determine the role of this variant in disease. Therefore, it has been classified as a Variant of Uncertain Significance.

NM_006899.5(IDH3B):c.1147A>G (p.Lys383Glu)

Gene: IDH3B (isocitrate dehydrogenase (NAD(+)) 3 non-catalytic subunit beta; minus strand). Cytogenetic location: 20p13.
Variant type: single nucleotide variant.
Coding change: c.1147A>G on transcript NM_006899.5 (MANE Select); coding-DNA position 1147, A replaced by G.
Protein change: p.Lys383Glu; replaces lysine 383 with glutamic acid.
Molecular consequence: missense variant. On other transcripts: non-coding transcript variant (1), intron variant (1).
Genome position (GRCh38, 1-based): chr20:2,658,762, T>C on the plus strand (A>G on the coding strand, the complement: IDH3B is on the minus strand). VCF-style: chr20-2658762-T-C. GRCh37 (hg19) VCF-style: chr20-2639408-T-C.
Other names: c.1147A>G (NM_006899.2); c.1147A>G, p.Lys383Glu (NM_001330763.2); c.1072-240A>G (NM_174855.4); short protein forms K383E.
Identifiers: ClinVar variation 1496977 (VCV001496977.7), dbSNP rs777054148, ClinGen allele CA9735033.